The following is an entry in ClinVar:

ClinVar aggregate classification (germline): Uncertain significance (1 of 4 stars; one submission).

Submission:

Labcorp Genetics (formerly Invitae), Labcorp
Classification: Uncertain significance. Last evaluated: 2024-05-23. Review status: criteria provided, single submitter. Criteria: Invitae Variant Classification Sherloc (09022015). Collection method: clinical testing. Allele origin: germline.
Comment: This sequence change replaces glutamine, which is neutral and polar, with proline, which is neutral and non-polar, at codon 206 of the FOCAD protein (p.Gln206Pro). This variant is not present in population databases (gnomAD no frequency). This variant has not been reported in the literature in individuals affected with FOCAD-related conditions. Algorithms developed to predict the effect of missense changes on protein structure and function output the following: SIFT: "Not Available"; PolyPhen-2: "Not Available"; Align-GVGD: "Not Available". The proline amino acid residue is found in multiple mammalian species, which suggests that this missense change does not adversely affect protein function. In summary, the available evidence is currently insufficient to determine the role of this variant in disease. Therefore, it has been classified as a Variant of Uncertain Significance.

NM_001375567.1(FOCAD):c.617A>C (p.Gln206Pro)

Gene: FOCAD (focadhesin; plus strand). Cytogenetic location: 9p21.3.
Variant type: single nucleotide variant.
Coding change: c.617A>C on transcript NM_001375567.1 (MANE Select); coding-DNA position 617, A replaced by C.
Protein change: p.Gln206Pro; replaces glutamine 206 with proline.
Molecular consequence: missense variant.
Genome position (GRCh38, 1-based): chr9:20,764,991, A>C. VCF-style: chr9-20764991-A-C. GRCh37 (hg19) VCF-style: chr9-20764990-A-C.
Other names: c.617A>C, p.Gln206Pro (NM_001375568.1, NM_017794.5); c.512A>C, p.Gln171Pro (NM_001375570.1); short protein forms Q206P, Q171P.
Identifiers: ClinVar variation 3654346 (VCV003654346.2).